The following is an entry in ClinVar:

ClinVar aggregate classification (germline): Conflicting classifications of pathogenicity. Review status: criteria provided, conflicting classifications (1 of 4 stars). 7 submissions from 7 submitters: Uncertain significance (3); Likely benign (3). 1 of the submissions does not count toward it. Last evaluated 2025-12-03.

Conditions:
Focal segmental glomerulosclerosis 1 (FSGS1). Identifiers: Orphanet 656, MedGen C4551527, MONDO:0011303, OMIM 603278.
Focal segmental glomerulosclerosis (FSGS). Also called: Glomerulosclerosis, focal; Focal sclerosis with hyalinosis. Identifiers: MedGen C0017668, MONDO:0100313, HP:0000097. Disease mechanism: loss of function.

Allele frequency attached by ClinVar (database versions not stated): gnomAD exomes 0.00017 and 0.00040; TOPMed 0.00019; gnomAD 0.00027 and 0.00029; ExAC 0.00029; ESP Exome Variant Server 0.00031.
gnomAD v4.1: 617 of 1,608,976 alleles (0.038%); highest among the groups gnomAD compares: Non-Finnish European, 0.05%; no homozygotes.

Submissions (7):

Labcorp Genetics (formerly Invitae), Labcorp
Classification: Uncertain significance. Last evaluated: 2025-12-03. Review status: criteria provided, single submitter. Criteria: Invitae Variant Classification Sherloc (09022015). Collection method: clinical testing. Allele origin: germline.
Comment: This sequence change replaces alanine, which is neutral and non-polar, with threonine, which is neutral and polar, at codon 427 of the ACTN4 protein (p.Ala427Thr). This variant is present in population databases (rs201128110, gnomAD 0.05%), and has an allele count higher than expected for a pathogenic variant. This missense change has been observed in individual(s) with focal segmental glomerulosclerosis (PMID: 16251236, 23890478, 29869118, 31027891). ClinVar contains an entry for this variant (Variation ID: 599123). Invitae Evidence Modeling of protein sequence and biophysical properties (such as structural, functional, and spatial information, amino acid conservation, physicochemical variation, residue mobility, and thermodynamic stability) indicates that this missense variant is not expected to disrupt ACTN4 protein function with a negative predictive value of 80%. In summary, the available evidence is currently insufficient to determine the role of this variant in disease. Therefore, it has been classified as a Variant of Uncertain Significance.

Blueprint Genetics
Classification: Likely benign. Last evaluated: 2024-09-24. Review status: criteria provided, single submitter. Criteria: ACMG Guidelines, 2015. Collection method: clinical testing. Allele origin: germline.

CeGaT Center for Human Genetics Tuebingen
Classification: Likely benign. Last evaluated: 2023-01-01. Review status: criteria provided, single submitter. Criteria: CeGaT Center For Human Genetics Tuebingen Variant Classification Criteria Version 2. Collection method: clinical testing. Allele origin: germline. Affected: yes. Observed: 1 variant allele.
Comment: ACTN4: BP4, BS2

Genome Diagnostics Laboratory, The Hospital for Sick Children
Classification: Uncertain significance for Focal segmental glomerulosclerosis. Last evaluated: 2022-07-07. Review status: criteria provided, single submitter. Criteria: ACMG Guidelines, 2015. Collection method: clinical testing. Allele origin: germline.

GeneDx
Classification: Likely benign. Last evaluated: 2021-02-16. Review status: criteria provided, single submitter. Criteria: GeneDx Variant Classification Process June 2021. Collection method: clinical testing. Allele origin: germline. Affected: yes.
Comment: See Variant Classification Assertion Criteria.

Institute of Human Genetics, University of Leipzig Medical Center
Classification: Uncertain significance for Focal segmental glomerulosclerosis 1. Last evaluated: 2017-03-29. Review status: criteria provided, single submitter. Criteria: ACMG Guidelines, 2015. Collection method: clinical testing. Allele origin: germline. Affected: yes. Observed: 1 variant allele.

Bioscientia Institut fuer Medizinische Diagnostik GmbH, Sonic Healthcare
Classification: Uncertain significance for Focal segmental glomerulosclerosis 1. Last evaluated: 2018-05-17. Review status: no assertion criteria provided. Collection method: clinical testing. Allele origin: germline. Affected: yes. Not counted in ClinVar's aggregate classification.

Literature cited by the submitters: PubMed 16251236 (cited by Labcorp Genetics (formerly Invitae), Labcorp); PubMed 23890478 (cited by Labcorp Genetics (formerly Invitae), Labcorp); PubMed 29869118 (cited by Labcorp Genetics (formerly Invitae), Labcorp); PubMed 31027891 (cited by Labcorp Genetics (formerly Invitae), Labcorp).

NM_004924.6(ACTN4):c.1279G>A (p.Ala427Thr)

Gene: ACTN4 (actinin alpha 4; plus strand). Cytogenetic location: 19q13.2.
Variant type: single nucleotide variant.
Coding change: c.1279G>A on transcript NM_004924.6 (MANE Select); coding-DNA position 1279, G replaced by A.
Protein change: p.Ala427Thr; replaces alanine 427 with threonine.
Molecular consequence: missense variant.
Genome position (GRCh38, 1-based): chr19:38,718,062, G>A. VCF-style: chr19-38718062-G-A. GRCh37 (hg19) VCF-style: chr19-39208702-G-A.
Other names: c.1279G>A, p.Ala427Thr (NM_001322033.2); short protein forms A427T.
Identifiers: ClinVar variation 599123 (VCV000599123.35), dbSNP rs201128110, ClinGen allele CA9417563.